The following is an entry in ClinVar:

ClinVar aggregate classification (germline): Uncertain significance. Review status: criteria provided, multiple submitters, no conflicts (2 of 4 stars). 3 submissions from 3 submitters: Uncertain significance (3). Last evaluated 2025-12-31.

Conditions:
Primary dilated cardiomyopathy (DCM). Also called: Dilated Cardiomyopathy. Identifiers: Orphanet 217604, MedGen C0007193, MeSH D002311, MONDO:0005021, HP:0001644. Inheritance: Various modes of inheritance.

Allele frequency attached by ClinVar (database versions not stated): gnomAD exomes below 0.00001 and 0.00002; ExAC 0.00001.
gnomAD v4.1: 4 of 1,611,494 alleles (0.00025%); highest among the groups gnomAD compares: Admixed American, 0.0067%; no homozygotes.

Submissions (3):

Labcorp Genetics (formerly Invitae), Labcorp
Classification: Uncertain significance for Primary dilated cardiomyopathy. Last evaluated: 2025-12-31. Review status: criteria provided, single submitter. Criteria: Invitae Variant Classification Sherloc (09022015). Collection method: clinical testing. Allele origin: germline.
Comment: This sequence change replaces leucine, which is neutral and non-polar, with phenylalanine, which is neutral and non-polar, at codon 427 of the NEBL protein (p.Leu427Phe). This variant is present in population databases (rs770142870, gnomAD 0.01%). This variant has not been reported in the literature in individuals affected with NEBL-related conditions. ClinVar contains an entry for this variant (Variation ID: 659047). An algorithm developed to predict the effect of missense changes on protein structure and function (PolyPhen-2) suggests that this variant is likely to be tolerated. In summary, the available evidence is currently insufficient to determine the role of this variant in disease. Therefore, it has been classified as a Variant of Uncertain Significance.

Clinical Genomics Laboratory, Stanford Medicine
Classification: Uncertain significance for Dilated cardiomyopathy. Last evaluated: 2023-09-26. Review status: criteria provided, single submitter. Criteria: ACMG Guidelines, 2015. Collection method: clinical testing. Allele origin: germline. Observed: 1 variant allele, 1 heterozygote.
Comment: The p.Leu427Phe variant in the NEBL gene has not been previously reported in association with disease. This variant has been identified in 4/34,462 Latino/Admixed American chromosomes (4/249,980 chromosomes overall) by the Genome Aggregation Database. This variant is present in ClinVar (VCV000659047.10). The leucine at position 427 is weakly evolutionarily conserved. Computational tools predict that the p.Leu427Phe variant does not impact protein function; however, the accuracy of in silico algorithms is limited. These data were assessed using the ACMG/AMP variant interpretation guidelines. In summary, the significance of the p.Leu427Phe variant is uncertain. Additional information is needed to resolve the significance of this variant. [ACMG evidence codes used: PM2; BP4]

Ambry Genetics
Classification: Uncertain significance. Last evaluated: 2021-12-16. Review status: criteria provided, single submitter. Criteria: Ambry Variant Classification Scheme 2023. Collection method: clinical testing. Allele origin: germline.
Comment: The p.L427F variant (also known as c.1279C>T), located in coding exon 13 of the NEBL gene, results from a C to T substitution at nucleotide position 1279. The leucine at codon 427 is replaced by phenylalanine, an amino acid with highly similar properties. This amino acid position is conserved. In addition, this alteration is predicted to be tolerated by in silico analysis. Since supporting evidence is limited at this time, the clinical significance of this alteration remains unclear.

NM_006393.3(NEBL):c.1279C>T (p.Leu427Phe)

Gene: NEBL (nebulette; minus strand). Cytogenetic location: 10p12.31.
Variant type: single nucleotide variant.
Coding change: c.1279C>T on transcript NM_006393.3 (MANE Select); coding-DNA position 1279, C replaced by T.
Protein change: p.Leu427Phe; replaces leucine 427 with phenylalanine.
Molecular consequence: missense variant. On other transcripts: intron variant (9).
Genome position (GRCh38, 1-based): chr10:20,840,798, G>A on the plus strand (C>T on the coding strand, the complement: NEBL is on the minus strand). VCF-style: chr10-20840798-G-A. GRCh37 (hg19) VCF-style: chr10-21129727-G-A.
Other names: c.250-27858C>T (NM_001377326.1, NM_001377327.1, NM_001377328.1); c.358-27858C>T (NM_213569.2, NM_001173484.2, NM_001377322.1); c.301-27858C>T (NM_001377324.1); c.292-27858C>T (NM_001377325.1); c.310-27858C>T (NM_001377323.1); short protein forms L427F.
Identifiers: ClinVar variation 659047 (VCV000659047.12), dbSNP rs770142870, ClinGen allele CA5432926.
Genomic context (GRCh38, chr10:20,840,798, plus strand): 5'-CCTCACTTGCCATTTCAGAGGCTCGCTTTGCTCTTTGGATATCAAGAACTTCTGAATTAA[G>A]TTCCATTCCTTTCCCTTTTATCTCATTTTCCAAATCTTTTTTATATTCTTTCTATGAGAC-3'
Protein context (NP_006384.1, residues 417-437): ENEIKGKGME[Leu427Phe]NSEVLDIQRA